The following is an entry in ClinVar:

NM_032898.5(CEP19):c.330C>G (p.Asp110Glu)

Gene: CEP19 (centrosomal protein 19; minus strand). Cytogenetic location: 3q29.
Variant type: single nucleotide variant.
Coding change: c.330C>G on transcript NM_032898.5 (MANE Select); coding-DNA position 330, C replaced by G.
Protein change: p.Asp110Glu; replaces aspartic acid 110 with glutamic acid.
Molecular consequence: missense variant.
Genome position (GRCh38, 1-based): chr3:196,707,713, G>C on the plus strand (C>G on the coding strand, the complement: CEP19 is on the minus strand). VCF-style: chr3-196707713-G-C. GRCh37 (hg19) VCF-style: chr3-196434584-G-C.
Other names: short protein forms D110E.
Identifiers: ClinVar variation 841387 (VCV000841387.5), dbSNP rs909639081, ClinGen allele CA90867222.

ClinVar aggregate classification (germline): Uncertain significance (1 of 4 stars; one submission).

Allele frequency attached by ClinVar (database versions not stated): gnomAD exomes below 0.00001; TOPMed 0.00001.
gnomAD v4.1: 2 of 1,614,074 alleles (0.00012%); highest among the groups gnomAD compares: African/African-American, 0.0027%; no homozygotes.

Submission:

Labcorp Genetics (formerly Invitae), Labcorp
Classification: Uncertain significance. Last evaluated: 2025-05-12. Review status: criteria provided, single submitter. Criteria: Invitae Variant Classification Sherloc (09022015). Collection method: clinical testing. Allele origin: germline.
Comment: This sequence change replaces aspartic acid, which is acidic and polar, with glutamic acid, which is acidic and polar, at codon 114 of the CEP19 protein (p.Asp114Glu). This variant is present in population databases (no rsID available, gnomAD 0.007%). This variant has not been reported in the literature in individuals affected with CEP19-related conditions. ClinVar contains an entry for this variant (Variation ID: 841387). An algorithm developed to predict the effect of missense changes on protein structure and function (PolyPhen-2) suggests that this variant is likely to be tolerated. In summary, the available evidence is currently insufficient to determine the role of this variant in disease. Therefore, it has been classified as a Variant of Uncertain Significance.